The following is an entry in ClinVar:

NM_022787.4(NMNAT1):c.553T>C (p.Cys185Arg)

Gene: NMNAT1 (nicotinamide nucleotide adenylyltransferase 1; plus strand). Cytogenetic location: 1p36.22.
Variant type: single nucleotide variant.
Coding change: c.553T>C on transcript NM_022787.4 (MANE Select); coding-DNA position 553, T replaced by C.
Protein change: p.Cys185Arg; replaces cysteine 185 with arginine.
Molecular consequence: missense variant.
Genome position (GRCh38, 1-based): chr1:9,982,414, T>C. VCF-style: chr1-9982414-T-C. GRCh37 (hg19) VCF-style: chr1-10042472-T-C.
Other names: c.553T>C, p.Cys185Arg (NM_001297778.1); short protein forms C185R.
Identifiers: ClinVar variation 1409364 (VCV001409364.6), dbSNP rs960609793, ClinGen allele CA18240181.

ClinVar aggregate classification (germline): Uncertain significance (1 of 4 stars; one submission).

Conditions:
Leber congenital amaurosis 9 (LCA9). Also called: LCA9 Leber Congenital Amaurosis; LCA 9; Amaurosis congenita of Leber, type 9. Identifiers: Orphanet 65, MedGen C1837873, MONDO:0012056, OMIM 608553.

Allele frequency attached by ClinVar (database versions not stated): gnomAD exomes 0.00001; gnomAD 0.00002; TOPMed 0.00002.
gnomAD v4.1: 13 of 1,614,050 alleles (0.00081%); highest among the groups gnomAD compares: Non-Finnish European, 0.0011%; no homozygotes.

Submission:

Labcorp Genetics (formerly Invitae), Labcorp
Classification: Uncertain significance for Leber congenital amaurosis 9. Last evaluated: 2024-06-09. Review status: criteria provided, single submitter. Criteria: Invitae Variant Classification Sherloc (09022015). Collection method: clinical testing. Allele origin: germline.
Comment: This sequence change replaces cysteine, which is neutral and slightly polar, with arginine, which is basic and polar, at codon 185 of the NMNAT1 protein (p.Cys185Arg). This variant is present in population databases (no rsID available, gnomAD 0.003%). This variant has not been reported in the literature in individuals affected with NMNAT1-related conditions. ClinVar contains an entry for this variant (Variation ID: 1409364). Advanced modeling of protein sequence and biophysical properties (such as structural, functional, and spatial information, amino acid conservation, physicochemical variation, residue mobility, and thermodynamic stability) performed at Invitae indicates that this missense variant is expected to disrupt NMNAT1 protein function with a positive predictive value of 80%. In summary, the available evidence is currently insufficient to determine the role of this variant in disease. Therefore, it has been classified as a Variant of Uncertain Significance.